The following is an entry in ClinVar:

ClinVar aggregate classification (germline): Uncertain significance. Review status: criteria provided, multiple submitters, no conflicts (2 of 4 stars). 2 submissions from 2 submitters: Uncertain significance (2). Last evaluated 2024-06-06.

Conditions:
Hereditary cancer-predisposing syndrome. Also called: Neoplastic Syndromes, Hereditary; Tumor predisposition; Hereditary neoplastic syndrome; Hereditary Cancer Syndrome. Identifiers: Orphanet 140162, MedGen C0027672, MeSH D009386, MONDO:0015356.
Familial cancer of breast. Also called: hereditary breast carcinoma; Hereditary breast cancer; BREAST CANCER, FAMILIAL. Identifiers: Orphanet 227535, MedGen C0346153, MONDO:0016419, OMIM 114480. Disease mechanism: loss of function.

Allele frequency attached by ClinVar (database versions not stated): gnomAD exomes below 0.00001.
gnomAD v4.1: 1 of 1,613,384 alleles (0.000062%); highest among the groups gnomAD compares: Non-Finnish European, 0.000085%; no homozygotes.

Submissions (2):

Ambry Genetics
Classification: Uncertain significance for Hereditary cancer-predisposing syndrome. Last evaluated: 2024-06-06. Review status: criteria provided, single submitter. Criteria: Ambry Variant Classification Scheme 2023. Collection method: clinical testing. Allele origin: germline.
Comment: The p.A38P variant (also known as c.112G>C), located in coding exon 3 of the PALB2 gene, results from a G to C substitution at nucleotide position 112. The alanine at codon 38 is replaced by proline, an amino acid with highly similar properties. This amino acid position is conserved. In addition, the in silico prediction for this alteration is inconclusive. Based on the available evidence, the clinical significance of this variant remains unclear.

Labcorp Genetics (formerly Invitae), Labcorp
Classification: Uncertain significance for Familial cancer of breast. Last evaluated: 2023-06-09. Review status: criteria provided, single submitter. Criteria: Invitae Variant Classification Sherloc (09022015). Collection method: clinical testing. Allele origin: germline.
Comment: This variant has not been reported in the literature in individuals affected with PALB2-related conditions. An algorithm developed to predict the effect of missense changes on protein structure and function (PolyPhen-2) suggests that this variant is likely to be disruptive. In summary, the available evidence is currently insufficient to determine the role of this variant in disease. Therefore, it has been classified as a Variant of Uncertain Significance. This variant is not present in population databases (gnomAD no frequency). This sequence change replaces alanine, which is neutral and non-polar, with proline, which is neutral and non-polar, at codon 38 of the PALB2 protein (p.Ala38Pro).

NM_024675.4(PALB2):c.112G>C (p.Ala38Pro)

Gene: PALB2 (partner and localizer of BRCA2; minus strand). Cytogenetic location: 16p12.2.
Variant type: single nucleotide variant.
Coding change: c.112G>C on transcript NM_024675.4 (MANE Select); coding-DNA position 112, G replaced by C.
Protein change: p.Ala38Pro; replaces alanine 38 with proline.
Molecular consequence: missense variant. On other transcripts: 5 prime UTR variant (8), intron variant (3).
Genome position (GRCh38, 1-based): chr16:23,637,949, C>G on the plus strand (G>C on the coding strand, the complement: PALB2 is on the minus strand). VCF-style: chr16-23637949-C-G. GRCh37 (hg19) VCF-style: chr16-23649270-C-G.
Other names: c.52G>C, p.Ala18Pro (NM_001407296.1); c.112G>C, p.Ala38Pro (NM_001407297.1, NM_001407298.1, NM_001407299.1 and 3 more transcripts); c.-774G>C (NM_001407304.1, NM_001407305.1, NM_001407306.1 and 5 more transcripts); c.48+3161G>C (NM_001407314.1); c.-105+3161G>C (NM_001407313.1, NM_001407312.1); short protein forms A38P, A18P.
Identifiers: ClinVar variation 2699119 (VCV002699119.4), dbSNP rs2142457890, ClinGen allele CA395139474.
Genomic context (GRCh38, chr16:23,637,949, plus strand): 5'-AACAATCTTGTTCTTCTACTGTTTTCTTAATAGAATGCTTAATCTTTTCAGCTCTTTGGG[C>G]ACGCTAGAGGAGACAAAAACAGCCCCAGAAATACGTTTTCTTTAAAGTTTTATAGAGTCA-3'
Protein context (NP_078951.2, residues 28-48): YSKTLARLQR[Ala38Pro]QRAEKIKHSI